The following is an entry in ClinVar:

ClinVar aggregate classification (germline): Uncertain significance. Review status: criteria provided, multiple submitters, no conflicts (2 of 4 stars). 2 submissions from 2 submitters: Uncertain significance (2). Last evaluated 2026-07-17.

Conditions:
KIDINS220-related disorder. Also called: KIDINS220-related condition.

Allele frequency attached by ClinVar (database versions not stated): gnomAD exomes below 0.00001; ExAC 0.00001.
gnomAD v4.1: 2 of 1,614,132 alleles (0.00012%); highest among the groups gnomAD compares: Admixed American, 0.0017%; no homozygotes.

Submissions (2):

PreventionGenetics, part of Exact Sciences
Classification: Uncertain significance for KIDINS220-related condition. Last evaluated: 2026-07-17. Review status: criteria provided, single submitter. Criteria: ACMG Guidelines, 2015. Collection method: clinical testing. Allele origin: germline.
Comment: The KIDINS220 c.4311G>T variant is predicted to result in the amino acid substitution p.Lys1437Asn. To our knowledge, this variant has not been reported in the literature. This variant is reported in 0.0029% of alleles in individuals of Latino descent in gnomAD. At this time, the clinical significance of this variant is uncertain due to the absence of conclusive functional and genetic evidence.

Labcorp Genetics (formerly Invitae), Labcorp
Classification: Uncertain significance. Last evaluated: 2025-02-17. Review status: criteria provided, single submitter. Criteria: Invitae Variant Classification Sherloc (09022015). Collection method: clinical testing. Allele origin: germline.
Comment: This sequence change replaces lysine, which is basic and polar, with asparagine, which is neutral and polar, at codon 1437 of the KIDINS220 protein (p.Lys1437Asn). This variant is present in population databases (rs747161256, gnomAD 0.003%). This variant has not been reported in the literature in individuals affected with KIDINS220-related conditions. ClinVar contains an entry for this variant (Variation ID: 2961358). An algorithm developed to predict the effect of missense changes on protein structure and function (PolyPhen-2) suggests that this variant is likely to be tolerated. In summary, the available evidence is currently insufficient to determine the role of this variant in disease. Therefore, it has been classified as a Variant of Uncertain Significance.

NM_020738.4(KIDINS220):c.4311G>T (p.Lys1437Asn)

Gene: KIDINS220 (kinase D interacting substrate 220; minus strand). Cytogenetic location: 2p25.1.
Variant type: single nucleotide variant.
Coding change: c.4311G>T on transcript NM_020738.4 (MANE Select); coding-DNA position 4311, G replaced by T.
Protein change: p.Lys1437Asn; replaces lysine 1437 with asparagine.
Molecular consequence: missense variant. On other transcripts: intron variant (6).
Genome position (GRCh38, 1-based): chr2:8,731,725, C>A on the plus strand (G>T on the coding strand, the complement: KIDINS220 is on the minus strand). VCF-style: chr2-8731725-C-A. GRCh37 (hg19) VCF-style: chr2-8871855-C-A.
Other names: c.4311G>T (NM_020738.2); c.4314G>T, p.Lys1438Asn (NM_001348729.2); c.4257G>T, p.Lys1419Asn (NM_001348731.2); c.4254G>T, p.Lys1418Asn (NM_001348732.2); c.4143G>T, p.Lys1381Asn (NM_001348734.2); c.4140G>T, p.Lys1380Asn (NM_001348735.2); c.4014G>T, p.Lys1338Asn (NM_001348736.2); c.3882+1719G>T (NM_001348741.2, NM_001348742.2, NM_001348743.2); and 2 more; short protein forms K1381N, K1418N, K1438N, K1338N, K1380N, K1437N, K1419N.
Identifiers: ClinVar variation 2961358 (VCV002961358.4), dbSNP rs747161256, ClinGen allele CA1519387.